The following is an entry in ClinVar:

ClinVar aggregate classification (germline): Likely benign. Review status: criteria provided, single submitter (1 of 4 stars). 2 submissions from 2 submitters: Likely benign (1). 1 of the submissions does not count toward it. Last evaluated 2025-11-24.

Conditions:
Familial hemophagocytic lymphohistiocytosis 5. Also called: STXBP2-Related Familial Hemophagocytic Lymphohistiocytosis (STXBP2-fHLH). Identifiers: Orphanet 540, MedGen C2751293, MONDO:0013135, OMIM 613101.
STXBP2-related disorder. Also called: STXBP2-related condition.

Allele frequency attached by ClinVar (database versions not stated): ExAC 0.00002.

Submissions (2):

Labcorp Genetics (formerly Invitae), Labcorp
Classification: Likely benign for Familial hemophagocytic lymphohistiocytosis 5. Last evaluated: 2025-11-24. Review status: criteria provided, single submitter. Criteria: Invitae Variant Classification Sherloc (09022015). Collection method: clinical testing. Allele origin: germline.

PreventionGenetics, part of Exact Sciences
Classification: Likely benign for STXBP2-related condition. Last evaluated: 2019-05-21. Review status: no assertion criteria provided. Collection method: clinical testing. Allele origin: germline. Not counted in ClinVar's aggregate classification.
Comment: This variant is classified as likely benign based on ACMG/AMP sequence variant interpretation guidelines (Richards et al. 2015 PMID: 25741868, with internal and published modifications).

NM_006949.4(STXBP2):c.963G>A (p.Ala321=)

Gene: STXBP2 (syntaxin binding protein 2; plus strand). Cytogenetic location: 19p13.2.
Variant type: single nucleotide variant.
Coding change: c.963G>A on transcript NM_006949.4 (MANE Select); coding-DNA position 963, G replaced by A.
Protein change: p.Ala321=; no amino-acid change (alanine 321 retained).
Molecular consequence: synonymous variant. On other transcripts: non-coding transcript variant (1).
Genome position (GRCh38, 1-based): chr19:7,642,985, G>A. VCF-style: chr19-7642985-G-A. GRCh37 (hg19) VCF-style: chr19-7707871-G-A.
Other names: c.954G>A, p.Ala318= (NM_001127396.3); c.996G>A, p.Ala332= (NM_001272034.2); c.963G>A (NM_006949.3).
Identifiers: ClinVar variation 1539106 (VCV001539106.10), dbSNP rs757211999, ClinGen allele CA9143916.